The following is an entry in ClinVar:

NM_020779.4(WDR35):c.2262C>T (p.Asp754=)

Gene: WDR35 (WD repeat domain 35; minus strand). Cytogenetic location: 2p24.1.
Variant type: single nucleotide variant.
Coding change: c.2262C>T on transcript NM_020779.4 (MANE Select); coding-DNA position 2262, C replaced by T.
Protein change: p.Asp754=; no amino-acid change (aspartic acid 754 retained).
Molecular consequence: synonymous variant.
Genome position (GRCh38, 1-based): chr2:19,937,748, G>A on the plus strand (C>T on the coding strand, the complement: WDR35 is on the minus strand). VCF-style: chr2-19937748-G-A. GRCh37 (hg19) VCF-style: chr2-20137509-G-A.
Other names: c.2295C>T, p.Asp765= (NM_001006657.2).
Identifiers: ClinVar variation 333383 (VCV000333383.27), dbSNP rs147206032, ClinGen allele CA1543008.

ClinVar aggregate classification (germline): Benign/Likely benign. Review status: criteria provided, multiple submitters, no conflicts (2 of 4 stars). 6 submissions from 5 submitters: Benign (2); Likely benign (3). 1 of the submissions does not count toward it. Last evaluated 2025-12-23.

Conditions:
WDR35-related disorder. Also called: WDR35-related condition; WDR35-related disorders. Identifiers: MedGen CN239419.
Short-rib thoracic dysplasia 7 with or without polydactyly (SRTD7). Also called: Short rib polydactyly syndrome 5; SHORT-RIB THORACIC DYSPLASIA 7 WITH POLYDACTYLY. Identifiers: Orphanet 498497, Orphanet 93271, MedGen C3279792, MONDO:0013569, OMIM 614091.
Cranioectodermal dysplasia 2 (CED2). Identifiers: OMIM 613610, Orphanet 1515, MedGen C3150874, MONDO:0013323.

Allele frequency attached by ClinVar (database versions not stated): gnomAD exomes 0.00023 and 0.00069; ExAC 0.00091; gnomAD 0.00267 and 0.00285; TOPMed 0.00330; ESP Exome Variant Server 0.00346; 1000 Genomes Project 30x 0.00375; 1000 Genomes Project 0.00399.
gnomAD v4.1: 757 of 1,614,068 alleles (0.047%); highest among the groups gnomAD compares: African/African-American, 0.89%; 2 homozygotes.

Submissions (6):

Labcorp Genetics (formerly Invitae), Labcorp
Classification: Benign for Cranioectodermal dysplasia 2; Short-rib thoracic dysplasia 7 with or without polydactyly. Last evaluated: 2025-12-23. Review status: criteria provided, single submitter. Criteria: Invitae Variant Classification Sherloc (09022015). Collection method: clinical testing. Allele origin: germline.

ARUP Laboratories, Molecular Genetics and Genomics, ARUP Laboratories
Classification: Benign. Last evaluated: 2025-02-25. Review status: criteria provided, single submitter. Criteria: ARUP Molecular Germline Variant Investigation Process 2024. Collection method: clinical testing. Allele origin: germline.

GeneDx
Classification: Likely benign. Last evaluated: 2021-03-29. Review status: criteria provided, single submitter. Criteria: GeneDx Variant Classification Process June 2021. Collection method: clinical testing. Allele origin: germline. Affected: yes.

Illumina Laboratory Services, Illumina
Classification: Likely benign for Short-rib thoracic dysplasia 7 with or without polydactyly. Last evaluated: 2018-01-13. Review status: criteria provided, single submitter. Criteria: ICSL Variant Classification Criteria 13 December 2019. Collection method: clinical testing. Allele origin: germline.
Comment: This variant was observed in the ICSL laboratory as part of a predisposition screen in an ostensibly healthy population. It had not been previously curated by ICSL or reported in the Human Gene Mutation Database (HGMD: prior to June 1st, 2018), and was therefore a candidate for classification through an automated scoring system. Utilizing variant allele frequency, disease prevalence and penetrance estimates, and inheritance mode, an automated score was calculated to assess if this variant is too frequent to cause the disease. Based on the score and internal cut-off values, a variant classified as likely benign is not then subjected to further curation. The score for this variant resulted in a classification of likely benign for this disease.

Illumina Laboratory Services, Illumina
Classification: Likely benign for Cranioectodermal dysplasia 2. Last evaluated: 2018-01-13. Review status: criteria provided, single submitter. Criteria: ICSL Variant Classification Criteria 13 December 2019. Collection method: clinical testing. Allele origin: germline.
Comment: the same text as in the submission from Illumina Laboratory Services, Illumina above.

PreventionGenetics, part of Exact Sciences
Classification: Benign for WDR35-related condition. Last evaluated: 2019-10-09. Review status: no assertion criteria provided. Collection method: clinical testing. Allele origin: germline. Not counted in ClinVar's aggregate classification.
Comment: This variant is classified as benign based on ACMG/AMP sequence variant interpretation guidelines (Richards et al. 2015 PMID: 25741868, with internal and published modifications).